The following is an entry in ClinVar:

NM_016642.4(SPTBN5):c.10977C>T (p.Cys3659=)

Gene: SPTBN5 (spectrin beta, non-erythrocytic 5; minus strand). Cytogenetic location: 15q15.1.
Variant type: single nucleotide variant.
Coding change: c.10977C>T on transcript NM_016642.4 (MANE Select); coding-DNA position 10977, C replaced by T.
Protein change: p.Cys3659=; no amino-acid change (cysteine 3659 retained).
Molecular consequence: synonymous variant.
Genome position (GRCh38, 1-based): chr15:41,849,904, G>A on the plus strand (C>T on the coding strand, the complement: SPTBN5 is on the minus strand). VCF-style: chr15-41849904-G-A. GRCh37 (hg19) VCF-style: chr15-42142102-G-A.
Identifiers: ClinVar variation 3047247 (VCV003047247.2), dbSNP rs538681110, ClinGen allele CA7500634.

ClinVar aggregate classification (germline): Likely benign (0 of 4 stars; one submission).

Conditions:
SPTBN5-related disorder. Also called: SPTBN5-related condition.

Allele frequency attached by ClinVar (database versions not stated): TOPMed 0.00008; gnomAD 0.00019; gnomAD exomes 0.00035; 1000 Genomes Project 0.00120; ExAC 0.00196.
gnomAD v4.1: 524 of 1,594,248 alleles (0.033%); highest among the groups gnomAD compares: South Asian, 0.57%; 6 homozygotes.

Submission:

PreventionGenetics, part of Exact Sciences
Classification: Likely benign for SPTBN5-related condition. Last evaluated: 2022-05-10. Review status: no assertion criteria provided. Collection method: clinical testing. Allele origin: germline.
Comment: This variant is classified as likely benign based on ACMG/AMP sequence variant interpretation guidelines (Richards et al. 2015 PMID: 25741868, with internal and published modifications).